The following is an entry in ClinVar:

ClinVar aggregate classification (germline): Pathogenic. Review status: reviewed by expert panel (3 of 4 stars). 22 submissions from 22 submitters: Pathogenic (1). 21 of the submissions do not count toward it. Last evaluated 2016-04-22.

Conditions:
BRCA2-related cancer predisposition. Identifiers: MedGen CN377758, MONDO:0700269.
BRCA2-related disorder. Also called: BRCA2-related condition; BRCA2-related disorders. Identifiers: MedGen CN239275.
Rhabdomyosarcoma. Also called: Rhabdomyosarcoma (disease). Identifiers: Orphanet 780, MedGen C0035412, MeSH D012208, MONDO:0005212, HP:0002859.
Hereditary cancer-predisposing syndrome. Also called: Hereditary Cancer Syndrome; Neoplastic Syndromes, Hereditary; Hereditary neoplastic syndrome; Tumor predisposition. Identifiers: Orphanet 140162, MedGen C0027672, MeSH D009386, MONDO:0015356.
Hereditary breast ovarian cancer syndrome. Also called: Hereditary breast and ovarian cancer syndrome; Breast and ovarian cancer; BRCA1- and BRCA2-Associated Hereditary Breast and Ovarian Cancer; Hereditary breast and/or ovarian cancer syndrome; Hereditary breast and ovarian cancer; Hereditary breast and ovarian cancer syndrome (HBOC). Identifiers: Orphanet 145, MedGen C0677776, MeSH D061325, MONDO:0003582. Disease mechanism: loss of function.
Breast-ovarian cancer, familial, susceptibility to, 2 (BROVCA2). Also called: BRCA2 Hereditary Breast and Ovarian Cancer. Identifiers: Orphanet 145, MedGen C2675520, MONDO:0012933, OMIM 612555. Disease mechanism: loss of function.
Familial cancer of breast. Also called: hereditary breast carcinoma; BREAST CANCER, FAMILIAL; Hereditary breast cancer. Identifiers: Orphanet 227535, MedGen C0346153, MONDO:0016419, OMIM 114480. Disease mechanism: loss of function.

Allele frequency attached by ClinVar (database versions not stated): gnomAD exomes below 0.00001 and 0.00001; TOPMed below 0.00001; gnomAD 0.00001.
gnomAD v4.1: 8 of 1,612,512 alleles (0.0005%); highest among the groups gnomAD compares: African/African-American, 0.0027%; no homozygotes.

Submissions 1 to 7 of 22:

Evidence-based Network for the Interpretation of Germline Mutant Alleles (ENIGMA)
Classification: Pathogenic for Breast-ovarian cancer, familial, susceptibility to, 2. Last evaluated: 2016-04-22. Review status: reviewed by expert panel. Criteria: ENIGMA BRCA1/2 Classification Criteria (2015). Collection method: curation. Allele origin: germline.
Comment: Variant allele predicted to encode a truncated non-functional protein.

Ambry Genetics
Classification: Pathogenic for Hereditary cancer-predisposing syndrome. Last evaluated: 2026-03-24. Review status: criteria provided, single submitter. Criteria: Ambry Variant Classification Scheme 2023. Collection method: clinical testing. Allele origin: germline. Not counted in ClinVar's aggregate classification.
Comment: The c.3103G>T (p.E1035*) alteration, located in exon 11 (coding exon 10) of the BRCA2 gene, consists of a G to T substitution at nucleotide position 3103. This changes the amino acid from a glutamic acid (E) to a stop codon at amino acid position 1035. This variant is expected to result in loss of function by premature protein truncation or nonsense-mediated mRNA decay. Based on data from gnomAD, the T allele has an overall frequency of <0.001% (1/249486) total alleles studied. The highest observed frequency was 0.001% (1/112890) of European (non-Finnish) alleles. This variant has been reported in multiple patients with breast and/or ovarian cancer (Malone, 2006; Ramus, 2007; Tung, 2015; Ellingson, 2015; Susswein, 2016). It has also been reported in an individual with glioblastoma who had a family history of breast cancer (Meric-Bernstam, 2016). Based on the available evidence, this alteration is classified as pathogenic.

Labcorp Genetics (formerly Invitae), Labcorp
Classification: Pathogenic for Hereditary breast ovarian cancer syndrome. Last evaluated: 2026-01-15. Review status: criteria provided, single submitter. Criteria: Invitae Variant Classification Sherloc (09022015). Collection method: clinical testing. Allele origin: germline. Not counted in ClinVar's aggregate classification.
Comment: This sequence change creates a premature translational stop signal (p.Glu1035*) in the BRCA2 gene. It is expected to result in an absent or disrupted protein product. Loss-of-function variants in BRCA2 are known to be pathogenic (PMID: 20104584). This variant is present in population databases (rs80358556, gnomAD 0.0009%). This premature translational stop signal has been observed in individual(s) with breast and/or ovarian cancer and glioblastoma (PMID: 16912212, 17688236, 26296701, 26681312, 26787237). ClinVar contains an entry for this variant (Variation ID: 51400). For these reasons, this variant has been classified as Pathogenic.

Variantyx, Inc.
Classification: Pathogenic for Breast-ovarian cancer, familial, susceptibility to, 2. Last evaluated: 2026-01-07. Review status: criteria provided, single submitter. Criteria: Variantyx Assertion Criteria 2022. Collection method: clinical testing. Allele origin: germline. Inheritance: Autosomal dominant inheritance. Affected: yes. Not counted in ClinVar's aggregate classification.
Comment: This is a nonsense variant in the BRCA2 gene (OMIM: 600185). Pathogenic variants in this gene have been associated with autosomal dominant susceptibility to familial breast ovarian cancer 2. This variant introduces a premature termination codon in exon 11 out of 27 and is expected to result in loss of function, which is a known disease mechanism for BRCA2 in this disorder (PMID: 16199546, 17063271) (PVS1). This truncating variant occurs in exon 11, where different proven pathogenic truncating variants have been seen before (PMID: 39142283) (PM5_Strong) and the alteration has been reported in several unrelated affected individuals with breast and/or ovarian cancer and glioblastoma (PMID: 16912212, 17688236, 26296701, 26681312, 26787237). This variant has a 0.0027% maximum allele frequency in non-founder control populations. Other reputable laboratories have reported this variant as pathogenic or likely pathogenic, and this classification has been validated by an expert panel in ClinVar. Based on the presented evidence, this variant is classified as pathogenic for autosomal dominant susceptibility to familial breast-ovarian cancer 2.

Quest Diagnostics Nichols Institute San Juan Capistrano
Classification: Pathogenic. Last evaluated: 2025-08-12. Review status: criteria provided, single submitter. Criteria: Quest Diagnostics criteria. Collection method: clinical testing. Allele origin: unknown. Not counted in ClinVar's aggregate classification.
Comment: The BRCA2 c.3103G>T (p.Glu1035*) variant causes the premature termination of BRCA2 protein synthesis. This variant has been reported in the published literature in multiple families and individuals affected with breast and/or ovarian cancer (PMID: 16912212 (2006), 17688236 (2007), 25186627 (2015), 26296701 (2015), 26681312 (2015)), prostate cancer (PMID: 36623239 (2023)), glioblastoma (PMID: 26787237 (2016)), and pediatric rhabdomyosarcoma (PMID: 33372952 (2020)). The frequency of this variant in the general population (Genome Aggregation Database) is consistent with pathogenicity. Based on the available information, this variant is classified as pathogenic.

PreventionGenetics, part of Exact Sciences
Classification: Pathogenic for BRCA2-related condition. Last evaluated: 2025-06-22. Review status: criteria provided, single submitter. Criteria: ACMG Guidelines, 2015. Collection method: clinical testing. Allele origin: germline. Not counted in ClinVar's aggregate classification.
Comment: The BRCA2 c.3103G>T variant is predicted to result in premature protein termination (p.Glu1035*). This variant has predominantly been reported in individuals with personal and family histories of ovarian and breast cancer. However, it has also been reported in a single individual with glioblastoma and a family history of breast cancer (Table S1, Ramus et al. 2007. PubMed ID: 17688236; Supplement, Tung et al. 2014. PubMed ID: 25186627; Table S1, Susswein et al. 2015. PubMed ID: 26681312; Table S3, Meric-Bernstam et al. 2016. PubMed ID: 26787237; Table S1, Rebbeck et al. 2018. PubMed ID: 29446198). This variant is reported in 1 of ~249,000 alleles in gnomAD and is interpreted as pathogenic in ClinVar. Nonsense variants in BRCA2 are expected to be pathogenic. This variant is interpreted as pathogenic.

All of Us Research Program, National Institutes of Health
Classification: Pathogenic for BRCA2-related cancer predisposition. Last evaluated: 2024-08-31. Review status: criteria provided, single submitter. Criteria: ACMG Guidelines, 2015. Collection method: clinical testing. Allele origin: germline. Inheritance: Autosomal dominant inheritance. Observed: 6 variant alleles, 6 heterozygotes. Not counted in ClinVar's aggregate classification.
Comment: This variant changes 1 nucleotide in exon 11 of the BRCA2 gene, creating a premature translation stop signal. This variant is expected to result in an absent or non-functional protein product. This variant has been detected in at least eight individuals affected with breast and ovarian cancer (PMID: 16912212, 17688236, 24333842, 25186627, 26296701, 26681312, 33471991, 34680387; Leiden Open Variation Database DB-ID BRCA2_002557; Color internal data) and one individual each affected with glioblastoma (PMID: 26787237) and prostate cancer (PMID: 33599307). This variant has been identified in 1/249486 chromosomes in the general population by the Genome Aggregation Database (gnomAD). Loss of BRCA2 function is a known mechanism of disease. Based on the available evidence, this variant is classified as Pathogenic.

This study involves interpretation of variants in research participants for the purpose of population health screening. Participant phenotype was not available at the time of variant classification. Additional details can be found in publication PMID: 35346344, PMCID: PMC8962531

NM_000059.4(BRCA2):c.3103G>T (p.Glu1035Ter)

Gene: BRCA2 (BRCA2 DNA repair associated; plus strand). Cytogenetic location: 13q13.1.
Variant type: single nucleotide variant.
Coding change: c.3103G>T on transcript NM_000059.4 (MANE Select); coding-DNA position 3103, G replaced by T.
Protein change: p.Glu1035Ter; replaces glutamic acid 1035 with a stop codon.
Molecular consequence: nonsense.
Genome position (GRCh38, 1-based): chr13:32,337,458, G>T. VCF-style: chr13-32337458-G-T. GRCh37 (hg19) VCF-style: chr13-32911595-G-T.
Other names: p.E1035*:GAA>TAA; 3331G>T; short protein forms E1035*.
Identifiers: ClinVar variation 51400 (VCV000051400.50), dbSNP rs80358556, ClinGen allele CA017241.